The following is an entry in ClinVar:

NM_001256715.2(DNAAF3):c.1055C>T (p.Pro352Leu)

Genes: DNAAF3 (dynein axonemal assembly factor 3; minus strand), DNAAF3-AS1 (DNAAF3 antisense RNA 1; plus strand). Cytogenetic location: 19q13.42.
Variant type: single nucleotide variant.
Coding change: c.1055C>T on transcript NM_001256715.2 (MANE Select); coding-DNA position 1055, C replaced by T.
Protein change: p.Pro352Leu; replaces proline 352 with leucine.
Molecular consequence: missense variant.
Genome position (GRCh38, 1-based): chr19:55,160,007, G>A on the plus strand (C>T on the coding strand, the complement: DNAAF3 is on the minus strand). VCF-style: chr19-55160007-G-A. GRCh37 (hg19) VCF-style: chr19-55671375-G-A.
Other names: c.1256C>T, p.Pro419Leu (NM_001256714.1); c.893C>T, p.Pro298Leu (NM_001256716.2); c.1196C>T, p.Pro399Leu (NM_178837.4); short protein forms P419L, P298L, P352L, P399L.
Identifiers: ClinVar variation 2119734 (VCV002119734.2), dbSNP rs201462060, ClinGen allele CA9667924.
Genomic context (GRCh38, chr19:55,160,007, plus strand): 5'-TGGTGGAGAGTCTGAGCAGAATTGAGCGGCAGGAAGTGGACGGTGAAAGATTCCGGGGTC[G>A]GGGCTGCTGGGGGAAGGGGATAGAGGGGTCACCTCTGACAGGCGGAGCCATAAGGGCGGA-3'
Protein context (NP_001243644.1, residues 342-362): GSPEPGTPAA[Pro352Leu]TPESFTVHFL

ClinVar aggregate classification (germline): Uncertain significance (1 of 4 stars; one submission).

Conditions:
Primary ciliary dyskinesia. Also called: Ciliary dyskinesia. Identifiers: Orphanet 244, MedGen C0008780, MONDO:0016575, HP:0012265.

Allele frequency attached by ClinVar (database versions not stated): gnomAD 0.00001; TOPMed 0.00001; ExAC 0.00003.
gnomAD v4.1: 19 of 1,594,878 alleles (0.0012%); highest among the groups gnomAD compares: Admixed American, 0.0067%; no homozygotes.

Submission:

Labcorp Genetics (formerly Invitae), Labcorp
Classification: Uncertain significance for Primary ciliary dyskinesia. Last evaluated: 2022-05-04. Review status: criteria provided, single submitter. Criteria: Invitae Variant Classification Sherloc (09022015). Collection method: clinical testing. Allele origin: germline.
Comment: In summary, the available evidence is currently insufficient to determine the role of this variant in disease. Therefore, it has been classified as a Variant of Uncertain Significance. This sequence change replaces proline, which is neutral and non-polar, with leucine, which is neutral and non-polar, at codon 419 of the DNAAF3 protein (p.Pro419Leu). This variant is present in population databases (rs201462060, gnomAD 0.009%). This variant has not been reported in the literature in individuals affected with DNAAF3-related conditions. Algorithms developed to predict the effect of missense changes on protein structure and function output the following: SIFT: "Tolerated"; PolyPhen-2: "Benign"; Align-GVGD: "Class C0". The leucine amino acid residue is found in multiple mammalian species, which suggests that this missense change does not adversely affect protein function.